The following is an entry in ClinVar:

NM_152441.3(FBXL14):c.381C>T (p.Cys127=)

Genes: FBXL14 (F-box and leucine rich repeat protein 14; minus strand), LOC130007165 (ATAC-STARR-seq lymphoblastoid active region 5804; plus strand). Cytogenetic location: 12p13.33.
Variant type: single nucleotide variant.
Coding change: c.381C>T on transcript NM_152441.3 (MANE Select); coding-DNA position 381, C replaced by T.
Protein change: p.Cys127=; no amino-acid change (cysteine 127 retained).
Molecular consequence: synonymous variant. On other transcripts: non-coding transcript variant (1).
Genome position (GRCh38, 1-based): chr12:1,593,686, G>A on the plus strand (C>T on the coding strand, the complement: FBXL14 is on the minus strand). VCF-style: chr12-1593686-G-A. GRCh37 (hg19) VCF-style: chr12-1702852-G-A.
Other names: NC_000012.11:g.1702852G>A; c.381C>T, p.Cys127= (NM_001405291.1, NM_001405292.1, NM_001405293.1).
Identifiers: ClinVar variation 2642570 (VCV002642570.25), dbSNP rs150585689, ClinGen allele CA6385271.

ClinVar aggregate classification (germline): Likely benign (1 of 4 stars; one submission).

Allele frequency attached by ClinVar (database versions not stated): 1000 Genomes Project 30x 0.00187; 1000 Genomes Project 0.00220; TOPMed 0.00402; ExAC 0.00472; gnomAD 0.00524; ESP Exome Variant Server 0.00630; gnomAD exomes 0.00760.
gnomAD v4.1: 11,723 of 1,614,158 alleles (0.73%); highest among the groups gnomAD compares: Non-Finnish European, 0.89%; 55 homozygotes.

Submissions (9):

CeGaT Center for Human Genetics Tuebingen
Classification: Likely benign. Last evaluated: 2023-01-01. Review status: criteria provided, single submitter. Criteria: CeGaT Center For Human Genetics Tuebingen Variant Classification Criteria Version 2. Collection method: clinical testing. Allele origin: germline. Affected: yes. Observed: 1 variant allele.
Comment: FBXL14: BP4, BS2

Dr. Peter K. Rogan Lab, Western University
No classification provided (evidence only). Condition: Clear cell carcinoma of kidney. Review status: no classification provided. Collection method: in vitro. Allele origin: not applicable. Functional consequence: retained intron. Not counted in ClinVar's aggregate classification.

Dr. Peter K. Rogan Lab, Western University
No classification provided (evidence only). Condition: Clear cell carcinoma of kidney. Review status: no classification provided. Collection method: in vitro. Allele origin: not applicable. Functional consequence: retained intron. Not counted in ClinVar's aggregate classification.

Dr. Peter K. Rogan Lab, Western University
No classification provided (evidence only). Condition: Lung cancer. Review status: no classification provided. Collection method: in vitro. Allele origin: not applicable. Functional consequence: retained intron. Not counted in ClinVar's aggregate classification.

Dr. Peter K. Rogan Lab, Western University
No classification provided (evidence only). Condition: Colon adenocarcinoma. Review status: no classification provided. Collection method: in vitro. Allele origin: not applicable. Functional consequence: retained intron. Not counted in ClinVar's aggregate classification.

Dr. Peter K. Rogan Lab, Western University
No classification provided (evidence only). Condition: Hepatocellular carcinoma. Review status: no classification provided. Collection method: in vitro. Allele origin: not applicable. Functional consequence: retained intron. Not counted in ClinVar's aggregate classification.

Dr. Peter K. Rogan Lab, Western University
No classification provided (evidence only). Condition: Cholangiocarcinoma. Review status: no classification provided. Collection method: in vitro. Allele origin: not applicable. Functional consequence: retained intron. Not counted in ClinVar's aggregate classification.

Dr. Peter K. Rogan Lab, Western University
No classification provided (evidence only). Condition: Ovarian serous cystadenocarcinoma. Review status: no classification provided. Collection method: in vitro. Allele origin: not applicable. Functional consequence: retained intron. Not counted in ClinVar's aggregate classification.

Dr. Peter K. Rogan Lab, Western University
No classification provided (evidence only). Condition: Ovarian serous cystadenocarcinoma. Review status: no classification provided. Collection method: in vitro. Allele origin: not applicable. Functional consequence: retained intron. Not counted in ClinVar's aggregate classification.